The following is an entry in ClinVar:

ClinVar aggregate classification (germline): Pathogenic (1 of 4 stars; one submission).

Conditions:
Ataxia-telangiectasia syndrome (AT). Also called: ATAXIA-TELANGIECTASIA, COMPLEMENTATION GROUP A; ATAXIA-TELANGIECTASIA, FRESNO VARIANT; Ataxia-telangiectasia; Ataxia-telangiectasia, complementation group D; Ataxia-telangiectasia, complementation group E; AT, COMPLEMENTATION GROUP C. Identifiers: Orphanet 100, MedGen C0004135, MONDO:0008840, OMIM 208900.

Submission:

Labcorp Genetics (formerly Invitae), Labcorp
Classification: Pathogenic for Ataxia-telangiectasia syndrome. Last evaluated: 2024-11-27. Review status: criteria provided, single submitter. Criteria: Invitae Variant Classification Sherloc (09022015). Collection method: clinical testing. Allele origin: germline.
Comment: This sequence change creates a premature translational stop signal (p.Val595Alafs*7) in the ATM gene. It is expected to result in an absent or disrupted protein product. Loss-of-function variants in ATM are known to be pathogenic (PMID: 23807571, 25614872). This variant is not present in population databases (gnomAD no frequency). This variant has not been reported in the literature in individuals affected with ATM-related conditions. For these reasons, this variant has been classified as Pathogenic.

Literature cited by the submitters: PubMed 23807571; PubMed 25614872.

NM_000051.4(ATM):c.1784_1785del (p.Val595fs)

Gene: ATM (ATM serine/threonine kinase; plus strand). Cytogenetic location: 11q22.3.
Variant type: Deletion.
Coding change: c.1784_1785del on transcript NM_000051.4 (MANE Select); coding-DNA positions 1784 to 1785, 2 bases deleted (TG; older notation c.1784_1785delTG).
Protein change: p.Val595fs; shifts the reading frame from valine 595.
Molecular consequence: frameshift variant.
Genome position (GRCh38, 1-based): chr11:108,252,013-108,252,014, TG deleted; deleting any 2 consecutive bases within chr11:108,252,012-108,252,014 gives the same sequence; the c. name uses the placement nearest the transcript's 3' end. VCF-style (leftmost placement, unchanged base first): chr11-108252011-AGT-A. GRCh37 (hg19) VCF-style: chr11-108122738-AGT-A.
Other names: c.1784_1785del, p.Val595fs (NM_001351834.2); short protein forms V595fs.
Identifiers: ClinVar variation 3726264 (VCV003726264.2).